The following is an entry in ClinVar:

NM_001130987.2(DYSF):c.3228+1G>A

Gene: DYSF (dysferlin; plus strand). Cytogenetic location: 2p13.2.
Variant type: single nucleotide variant.
Coding change: c.3228+1G>A on transcript NM_001130987.2 (MANE Select); the canonical splice donor site of the intron after coding-DNA position 3228, G replaced by A.
Molecular consequence: splice donor variant.
Genome position (GRCh38, 1-based): chr2:71,570,742, G>A. VCF-style: chr2-71570742-G-A. GRCh37 (hg19) VCF-style: chr2-71797872-G-A.
Other names: c.3267+1G>A (NM_001130979.2); c.3225+1G>A (NM_001130981.2, NM_001130980.2); c.3174+1G>A (NM_001130978.2, NM_003494.4); c.3132+1G>A (NM_001130977.2, NM_001130976.2); c.3270+1G>A (NM_001130982.2); c.3228+1G>A (NM_001130985.2); c.3177+1G>A (NM_001130983.2, NM_001130455.2); c.3135+1G>A (NM_001130984.2, NM_001130986.2).
Identifiers: ClinVar variation 933322 (VCV000933322.12), dbSNP rs2092371566, ClinGen allele CA347217178.

ClinVar aggregate classification (germline): Pathogenic/Likely pathogenic. Review status: criteria provided, multiple submitters, no conflicts (2 of 4 stars). 4 submissions from 4 submitters: Pathogenic (1); Likely pathogenic (3). Last evaluated 2026-04-21.

Conditions:
Neuromuscular disease caused by qualitative or quantitative defects of dysferlin. Also called: Dysferlinopathy; Qualitative or quantitative defects of dysferlin. Identifiers: Orphanet 207073, MedGen C2931687, MONDO:0016145.
Autosomal recessive limb-girdle muscular dystrophy type 2B (LGMDR2). Also called: MUSCULAR DYSTROPHY, LIMB-GIRDLE, TYPE 3; Limb-girdle muscular dystrophy, type 2B; MUSCULAR DYSTROPHY, LIMB-GIRDLE, AUTOSOMAL RECESSIVE 2; Limb-Girdle Muscular Dystrophy Type 2B (LGMD2B). Identifiers: Orphanet 268, MedGen C1850889, MONDO:0009676, OMIM 253601.
DYSF-related disorder. Also called: DYSF-related condition; DYSF-related disorders.

gnomAD v4.1: 4 of 1,613,708 alleles (0.00025%); highest among the groups gnomAD compares: Non-Finnish European, 0.00034%; no homozygotes.

Submissions (4):

GeneDx
Classification: Likely pathogenic. Last evaluated: 2026-04-21. Review status: criteria provided, single submitter. Criteria: GeneDx Variant Classification Process June 2021. Collection method: clinical testing. Allele origin: germline.
Comment: Not observed at significant frequency in large population cohorts (gnomAD); Canonical splice site variant predicted to result in a null allele in a gene for which loss of function is a known mechanism of disease; Identified in 2/48 patients with features of late onset dysferlinopathy; however, additional clinical information not provided (PMID: 33715265); This variant is associated with the following publications: (PMID: 33715265)

Natera, Inc.
Classification: Likely pathogenic for Limb-girdle muscular dystrophy type 2B. Last evaluated: 2025-05-23. Review status: criteria provided, single submitter. Criteria: Natera Variant Classification Schema (03/2026). Collection method: clinical testing. Allele origin: germline.
Comment: The c.3174+1G>A variant in DYSF is a canonical splice donor site variant predicted to affect pre-mRNA splicing, which may result in an abnormal transcript and altered protein product. This variant is expected to result in nonsense mediated decay, truncation, or a dysfunctional protein product. This variant is rare in the general population with a frequency below the threshold expected for the associated phenotype(s). Given the available evidence, this variant is classified as Likely Pathogenic.

Blueprint Genetics
Classification: Likely pathogenic for DYSF-related disorders. Last evaluated: 2024-11-19. Review status: criteria provided, single submitter. Criteria: ACMG Guidelines, 2015. Collection method: clinical testing. Allele origin: germline. Affected: yes. Observed: 5 variant alleles.

Labcorp Genetics (formerly Invitae), Labcorp
Classification: Pathogenic for Neuromuscular disease caused by qualitative or quantitative defects of dysferlin. Last evaluated: 2023-11-13. Review status: criteria provided, single submitter. Criteria: Invitae Variant Classification Sherloc (09022015). Collection method: clinical testing. Allele origin: germline.
Comment: This sequence change affects a donor splice site in intron 29 of the DYSF gene. It is expected to disrupt RNA splicing. Variants that disrupt the donor or acceptor splice site typically lead to a loss of protein function (PMID: 16199547), and loss-of-function variants in DYSF are known to be pathogenic (PMID: 17698709, 20301480). This variant is not present in population databases (gnomAD no frequency). Disruption of this splice site has been observed in individuals with DYSF-related conditions (PMID: 33715265; Invitae). ClinVar contains an entry for this variant (Variation ID: 933322). Algorithms developed to predict the effect of sequence changes on RNA splicing suggest that this variant may disrupt the consensus splice site. For these reasons, this variant has been classified as Pathogenic.

Literature cited by the submitters: PubMed 16199547 (cited by Labcorp Genetics (formerly Invitae), Labcorp); PubMed 17698709 (cited by Labcorp Genetics (formerly Invitae), Labcorp); PubMed 20301480 (cited by Labcorp Genetics (formerly Invitae), Labcorp); PubMed 33715265 (cited by Labcorp Genetics (formerly Invitae), Labcorp).